The following is an entry in ClinVar:

ClinVar aggregate classification (germline): Benign/Likely benign. Review status: criteria provided, multiple submitters, no conflicts (2 of 4 stars). 3 submissions from 3 submitters: Benign (1); Likely benign (2). Last evaluated 2026-09-23.

Conditions:
Neurofibromatosis, type 1 (NF1). Also called: Neurofibromatosis, type I; VON RECKLINGHAUSEN DISEASE; Peripheral type neurofibromatosis; NEUROFIBROMATOSIS, TYPE I, SOMATIC. Identifiers: Orphanet 636, MedGen C0027831, MONDO:0018975, OMIM 162200. Disease mechanism: loss of function.
Cardiovascular phenotype. Identifiers: MedGen CN230736.
Hereditary cancer-predisposing syndrome. Also called: Hereditary Cancer Syndrome; Hereditary neoplastic syndrome; Neoplastic Syndromes, Hereditary; Tumor predisposition. Identifiers: Orphanet 140162, MedGen C0027672, MeSH D009386, MONDO:0015356.

Submissions (3):

Myriad Genetics, Inc.
Classification: Benign for Neurofibromatosis, type 1. Last evaluated: 2026-09-23. Review status: criteria provided, single submitter. Criteria: Myriad Autosomal Dominant, Autosomal Recessive and X-Linked Classification Criteria (2023). Collection method: clinical testing. Allele origin: unknown.
Comment: This variant is considered benign. This variant is a silent/synonymous amino acid change and it is not expected to impact splicing.

Labcorp Genetics (formerly Invitae), Labcorp
Classification: Likely benign for Neurofibromatosis, type 1. Last evaluated: 2025-09-10. Review status: criteria provided, single submitter. Criteria: Invitae Variant Classification Sherloc (09022015). Collection method: clinical testing. Allele origin: germline.

Ambry Genetics
Classification: Likely benign for Cardiovascular phenotype; Hereditary cancer-predisposing syndrome. Last evaluated: 2020-03-18. Review status: criteria provided, single submitter. Criteria: Ambry Variant Classification Scheme 2023. Collection method: clinical testing. Allele origin: germline.

NM_001042492.3(NF1):c.2475C>T (p.Ser825=)

Gene: NF1 (neurofibromin 1; plus strand). Cytogenetic location: 17q11.2.
Variant type: single nucleotide variant.
Coding change: c.2475C>T on transcript NM_001042492.3 (MANE Select); coding-DNA position 2475, C replaced by T.
Protein change: p.Ser825=; no amino-acid change (serine 825 retained).
Molecular consequence: synonymous variant.
Genome position (GRCh38, 1-based): chr17:31,229,090, C>T. VCF-style: chr17-31229090-C-T. GRCh37 (hg19) VCF-style: chr17-29556108-C-T.
Other names: c.2475C>T, p.Ser825= (NM_000267.4).
Identifiers: ClinVar variation 1113101 (VCV001113101.10), dbSNP rs1597715206, ClinGen allele CA499444138.